The following is an entry in ClinVar:

NM_201384.3(PLEC):c.9478C>G (p.Arg3160Gly)

Gene: PLEC (plectin; minus strand). Cytogenetic location: 8q24.3.
Variant type: single nucleotide variant.
Coding change: c.9478C>G on transcript NM_201384.3 (MANE Select); coding-DNA position 9478, C replaced by G.
Protein change: p.Arg3160Gly; replaces arginine 3160 with glycine.
Molecular consequence: missense variant.
Genome position (GRCh38, 1-based): chr8:143,920,343, G>C on the plus strand (C>G on the coding strand, the complement: PLEC is on the minus strand). VCF-style: chr8-143920343-G-C. GRCh37 (hg19) VCF-style: chr8-144994511-G-C.
Other names: c.9559C>G, p.Arg3187Gly (NM_000445.5); c.9436C>G, p.Arg3146Gly (NM_201378.4); c.9412C>G, p.Arg3138Gly (NM_201379.3); c.9889C>G, p.Arg3297Gly (NM_201380.4); c.9382C>G, p.Arg3128Gly (NM_201381.3); c.9478C>G, p.Arg3160Gly (NM_201382.4); c.9490C>G, p.Arg3164Gly (NM_201383.3); short protein forms R3128G, R3138G, R3187G, R3160G, R3164G, R3146G, R3297G.
Identifiers: ClinVar variation 956939 (VCV000956939.6), dbSNP rs1554681458, ClinGen allele CA372508902.

ClinVar aggregate classification (germline): Uncertain significance (1 of 4 stars; one submission).

Conditions:
Epidermolysis bullosa simplex 5B, with muscular dystrophy (EBS5B). Also called: Epidermolysis bullosa simplex with muscular dystrophy; EPIDERMOLYSIS BULLOSA SIMPLEX AND LIMB-GIRDLE MUSCULAR DYSTROPHY. Identifiers: Orphanet 257, MedGen C2931072, MONDO:0009181, OMIM 226670.
Epidermolysis bullosa simplex, Ogna type (EBS5A). Also called: Pidermolysis bullosa simplex 5A, Ogna type; EPIDERMOLYSIS BULLOSA SIMPLEX 5A, OGNA TYPE. Identifiers: Orphanet 79401, MedGen C0432317, MONDO:0007555, OMIM 131950.
Autosomal recessive limb-girdle muscular dystrophy type 2Q (LGMDR17). Also called: MUSCULAR DYSTROPHY, LIMB-GIRDLE, AUTOSOMAL RECESSIVE 17. Identifiers: Orphanet 254361, MedGen C3150989, MONDO:0013390, OMIM 613723.
Epidermolysis bullosa simplex with nail dystrophy (EBS5D). Identifiers: MedGen C4225309, MONDO:0014661, OMIM 616487.
Epidermolysis bullosa simplex 5C, with pyloric atresia (EBS5C). Also called: Epidermolysis bullosa simplex with pyloric atresia; PLEC-Related Epidermolysis Bullosa with Pyloric Atresia; PLEC1-Related Epidermolysis Bullosa with Pyloric Atresia. Identifiers: Orphanet 158684, MedGen C2677349, MONDO:0012807, OMIM 612138.

gnomAD v4.1: 1 of 1,593,818 alleles (0.000063%); highest among the groups gnomAD compares: Non-Finnish European, 0.000085%; no homozygotes.

Submission:

Labcorp Genetics (formerly Invitae), Labcorp
Classification: Uncertain significance for Autosomal recessive limb-girdle muscular dystrophy type 2Q; Epidermolysis bullosa simplex, Ogna type; Epidermolysis bullosa simplex with nail dystrophy; Epidermolysis bullosa simplex 5C, with pyloric atresia; Epidermolysis bullosa simplex 5B, with muscular dystrophy. Last evaluated: 2025-08-03. Review status: criteria provided, single submitter. Criteria: Invitae Variant Classification Sherloc (09022015). Collection method: clinical testing. Allele origin: germline.
Comment: This sequence change replaces arginine, which is basic and polar, with glycine, which is neutral and non-polar, at codon 3187 of the PLEC protein (p.Arg3187Gly). This variant is not present in population databases (gnomAD no frequency). This variant has not been reported in the literature in individuals affected with PLEC-related conditions. ClinVar contains an entry for this variant (Variation ID: 956939). An algorithm developed to predict the effect of missense changes on protein structure and function (PolyPhen-2) suggests that this variant is likely to be disruptive. In summary, the available evidence is currently insufficient to determine the role of this variant in disease. Therefore, it has been classified as a Variant of Uncertain Significance.